The following is an entry in ClinVar:

ClinVar aggregate classification (germline): Likely benign (1 of 4 stars; one submission).

gnomAD v4.1: 1 of 1,583,694 alleles (0.000063%); highest among the groups gnomAD compares: Non-Finnish European, 0.000086%; no homozygotes.

Submission:

CeGaT Center for Human Genetics Tuebingen
Classification: Likely benign. Last evaluated: 2025-06-01. Review status: criteria provided, single submitter. Criteria: CeGaT Center For Human Genetics Tuebingen Variant Classification Criteria Version 2. Collection method: clinical testing. Allele origin: germline. Affected: yes. Observed: 1 variant allele.
Comment: ATP2B1: BP4, BP7

NM_001366521.1(ATP2B1):c.2448T>C (p.Ile816=)

Gene: ATP2B1 (ATPase plasma membrane Ca2+ transporting 1; minus strand). Cytogenetic location: 12q21.33.
Variant type: single nucleotide variant.
Coding change: c.2448T>C on transcript NM_001366521.1 (MANE Select); coding-DNA position 2448, T replaced by C.
Protein change: p.Ile816=; no amino-acid change (isoleucine 816 retained).
Molecular consequence: synonymous variant. On other transcripts: non-coding transcript variant (3).
Genome position (GRCh38, 1-based): chr12:89,604,341, A>G on the plus strand (T>C on the coding strand, the complement: ATP2B1 is on the minus strand). VCF-style: chr12-89604341-A-G. GRCh37 (hg19) VCF-style: chr12-89998118-A-G.
Other names: c.2448T>C, p.Ile816= (NM_001001323.2, NM_001366520.1, NM_001366522.1 and 12 more transcripts); c.2250T>C, p.Ile750= (NM_001366530.1, NM_001413053.1); c.1887T>C, p.Ile629= (NM_001366531.1, NM_001366532.1, NM_001413058.1 and 2 more transcripts); c.2409T>C, p.Ile803= (NM_001413048.1); c.2307T>C, p.Ile769= (NM_001413051.1, NM_001413052.1, NM_001413055.1); c.2205T>C, p.Ile735= (NM_001413054.1); c.2193T>C, p.Ile731= (NM_001413056.1); c.1995T>C, p.Ile665= (NM_001413057.1).
Identifiers: ClinVar variation 4085252 (VCV004085252.8).